The following is an entry in ClinVar:

NM_001244008.2(KIF1A):c.1477G>A (p.Gly493Ser)

Gene: KIF1A (kinesin family member 1A; minus strand). Cytogenetic location: 2q37.3.
Variant type: single nucleotide variant.
Coding change: c.1477G>A on transcript NM_001244008.2 (MANE Select); coding-DNA position 1477, G replaced by A.
Protein change: p.Gly493Ser; replaces glycine 493 with serine.
Molecular consequence: missense variant.
Genome position (GRCh38, 1-based): chr2:240,769,153, C>T on the plus strand (G>A on the coding strand, the complement: KIF1A is on the minus strand). VCF-style: chr2-240769153-C-T. GRCh37 (hg19) VCF-style: chr2-241708570-C-T.
Other names: c.1477G>A, p.Gly493Ser (NM_001320705.2, NM_001330289.2, NM_001379638.1); c.1552G>A, p.Gly518Ser (NM_001330290.2, NM_001379631.1, NM_001379634.1 and 2 more transcripts); c.1450G>A, p.Gly484Ser (NM_001379632.1, NM_001379633.1, NM_001379636.1 and 10 more transcripts); c.1525G>A, p.Gly509Ser (NM_001379637.1, NM_001379648.1); short protein forms G484S, G493S, G518S, G509S.
Identifiers: ClinVar variation 245898 (VCV000245898.2), dbSNP rs879253991, ClinGen allele CA10584193.

ClinVar aggregate classification (germline): Likely pathogenic (1 of 4 stars; one submission).

Submission:

GeneDx
Classification: Likely pathogenic. Last evaluated: 2018-02-23. Review status: criteria provided, single submitter. Criteria: GeneDx Variant Classification (06012015). Collection method: clinical testing. Allele origin: germline. Affected: yes.
Comment: The G484S variant in the KIF1A gene has not been published as pathogenic, nor has it been reported as a benign polymorphism to our knowledge. The G484S variant was not observed in approximately 6,200 individuals of European and African American ancestry in the NHLBI Exome Sequencing Project, indicating it is not a common benign variant in these populations. The G484S variant is a non-conservative amino acid substitution, which is likely to impact secondary protein structure as these residues differ in polarity, charge, size and/or other properties. This substitution occurs at a position that is conserved across species. In silico analysis predicts this variant is probably damaging to the protein structure/function. The G484S variant is a strong candidate for a disease-causing variant, however, the possibility it may be a rare benign variant cannot be excluded.